The following is an entry in ClinVar:

NM_144687.4(NLRP12):c.2417T>C (p.Leu806Ser)

Gene: NLRP12 (NLR family pyrin domain containing 12; minus strand). Cytogenetic location: 19q13.42.
Variant type: single nucleotide variant.
Coding change: c.2417T>C on transcript NM_144687.4 (MANE Select); coding-DNA position 2417, T replaced by C.
Protein change: p.Leu806Ser; replaces leucine 806 with serine.
Molecular consequence: missense variant.
Genome position (GRCh38, 1-based): chr19:53,804,120, A>G on the plus strand (T>C on the coding strand, the complement: NLRP12 is on the minus strand). VCF-style: chr19-53804120-A-G. GRCh37 (hg19) VCF-style: chr19-54307374-A-G.
Other names: c.2420T>C, p.Leu807Ser (NM_001277126.2); c.2417T>C, p.Leu806Ser (NM_001277129.1); short protein forms L806S, L807S.
Identifiers: ClinVar variation 3685158 (VCV003685158.1).

ClinVar aggregate classification (germline): Uncertain significance (1 of 4 stars; one submission).

Conditions:
Familial cold autoinflammatory syndrome 2 (FCAS2). Identifiers: Orphanet 247868, MedGen C2673198, MONDO:0012724, OMIM 611762.

gnomAD v4.1: 1 of 1,613,842 alleles (0.000062%); highest among the groups gnomAD compares: Non-Finnish European, 0.000085%; no homozygotes.

Submission:

Labcorp Genetics (formerly Invitae), Labcorp
Classification: Uncertain significance for Familial cold autoinflammatory syndrome 2. Last evaluated: 2024-05-05. Review status: criteria provided, single submitter. Criteria: Invitae Variant Classification Sherloc (09022015). Collection method: clinical testing. Allele origin: germline.
Comment: This sequence change replaces leucine, which is neutral and non-polar, with serine, which is neutral and polar, at codon 806 of the NLRP12 protein (p.Leu806Ser). This variant is not present in population databases (gnomAD no frequency). This variant has not been reported in the literature in individuals affected with NLRP12-related conditions. An algorithm developed to predict the effect of missense changes on protein structure and function (PolyPhen-2) suggests that this variant is likely to be disruptive. In summary, the available evidence is currently insufficient to determine the role of this variant in disease. Therefore, it has been classified as a Variant of Uncertain Significance.